The following is an entry in ClinVar:

ClinVar aggregate classification (germline): Uncertain significance (1 of 4 stars; one submission).

Conditions:
Ataxia-telangiectasia syndrome (AT). Also called: ATAXIA-TELANGIECTASIA, COMPLEMENTATION GROUP A; ATAXIA-TELANGIECTASIA, FRESNO VARIANT; Ataxia-telangiectasia, complementation group D; AT, COMPLEMENTATION GROUP C; Ataxia-telangiectasia; LOUIS-BAR SYNDROME. Identifiers: Orphanet 100, MedGen C0004135, MONDO:0008840, OMIM 208900.

Submission:

Labcorp Genetics (formerly Invitae), Labcorp
Classification: Uncertain significance for Ataxia-telangiectasia syndrome. Last evaluated: 2022-01-18. Review status: criteria provided, single submitter. Criteria: Invitae Variant Classification Sherloc (09022015). Collection method: clinical testing. Allele origin: germline.
Comment: This variant has not been reported in the literature in individuals affected with ATM-related conditions. In summary, the available evidence is currently insufficient to determine the role of this variant in disease. Therefore, it has been classified as a Variant of Uncertain Significance. Advanced modeling of protein sequence and biophysical properties (such as structural, functional, and spatial information, amino acid conservation, physicochemical variation, residue mobility, and thermodynamic stability) performed at Invitae indicates that this missense variant is not expected to disrupt ATM protein function. This variant is not present in population databases (gnomAD no frequency). This sequence change replaces histidine, which is basic and polar, with leucine, which is neutral and non-polar, at codon 269 of the ATM protein (p.His269Leu).

NM_000051.4(ATM):c.806A>T (p.His269Leu)

Gene: ATM (ATM serine/threonine kinase; plus strand). Cytogenetic location: 11q22.3.
Variant type: single nucleotide variant.
Coding change: c.806A>T on transcript NM_000051.4 (MANE Select); coding-DNA position 806, A replaced by T.
Protein change: p.His269Leu; replaces histidine 269 with leucine.
Molecular consequence: missense variant.
Genome position (GRCh38, 1-based): chr11:108,244,931, A>T. VCF-style: chr11-108244931-A-T. GRCh37 (hg19) VCF-style: chr11-108115658-A-T.
Other names: c.806A>T, p.His269Leu (NM_001351834.2); short protein forms H269L.
Identifiers: ClinVar variation 1954120 (VCV001954120.5), dbSNP rs1565371740, ClinGen allele CA382529383.